The following is an entry in ClinVar:

ClinVar aggregate classification (germline): Pathogenic (1 of 4 stars; one submission).

Submission:

ISCA Site 6
Classification: Pathogenic. Last evaluated: 2011-08-12. Review status: criteria provided, single submitter. Criteria: Kaminsky et al. (Genet Med. 2011). Collection method: clinical testing. Allele origin: unknown. Affected: yes. Observed: 1 variant allele.
Comment: Copy number variation identified through the course of routine clinical cytogenomic testing in postnatal populations. Clinical assertions have been curated as described in Kaminsky et al. 2011.

GRCh38/hg38 22q11.21(chr22:18339130-21151128)x1

Genes: AIFM3 (AIF family member 3; plus strand), ARVCF (ARVCF delta catenin family member; minus strand), C22orf39 (chromosome 22 open reading frame 39; minus strand), CCDC188 (coiled-coil domain containing 188; minus strand), CDC45 (cell division cycle 45; plus strand) and 185 more. Cytogenetic location: 22q11.21.
Variant type: copy number loss.
Change: copy number 1 (one copy instead of two) of chr22:18,339,130-21,151,128 (2.81 Mb, GRCh38 coordinates, 1-based), cytogenetic band 22q11.21.
Identifiers: ClinVar variation 59215 (VCV000059215.2).